The following is an entry in ClinVar:

ClinVar aggregate classification (germline): Conflicting classifications of pathogenicity. Review status: criteria provided, conflicting classifications (1 of 4 stars). 5 submissions from 5 submitters: Uncertain significance (4); Likely benign (1). Last evaluated 2025-07-30.

Conditions:
RAD51C-related disorder. Also called: RAD51C-related disorders; RAD51C-related condition.
Hereditary cancer-predisposing syndrome. Also called: Neoplastic Syndromes, Hereditary; Tumor predisposition; Hereditary Cancer Syndrome; Hereditary neoplastic syndrome. Identifiers: Orphanet 140162, MedGen C0027672, MeSH D009386, MONDO:0015356.
Fanconi anemia complementation group O. Also called: RAD51C-Related Fanconi Anemia. Identifiers: Orphanet 84, MedGen C3150653, MONDO:0013248, OMIM 613390.
Breast-ovarian cancer, familial, susceptibility to, 3. Also called: RAD51C-Related Breast/Ovarian Cancer. Identifiers: Orphanet 145, MedGen C3150659, MONDO:0013253, OMIM 613399.

Allele frequency attached by ClinVar (database versions not stated): TOPMed 0.00002; gnomAD 0.00003.
gnomAD v4.1: 2 of 1,614,096 alleles (0.00012%); highest among the groups gnomAD compares: African/African-American, 0.0027%; no homozygotes.

Submissions (5):

PreventionGenetics, part of Exact Sciences
Classification: Uncertain significance for RAD51C-related condition. Last evaluated: 2025-07-30. Review status: criteria provided, single submitter. Criteria: ACMG Guidelines, 2015. Collection method: clinical testing. Allele origin: germline.
Comment: The RAD51C c.451G>C variant is predicted to result in the amino acid substitution p.Val151Leu. To our knowledge, this variant has not been reported in the literature. This variant is reported in 0.011% of alleles in individuals of African descent in gnomAD and has conflicting interpretations of likely benign and uncertain significance in ClinVar (variation ID: 656747). At this time, the clinical significance of this variant is uncertain due to the absence of conclusive functional and genetic evidence.

Labcorp Genetics (formerly Invitae), Labcorp
Classification: Uncertain significance for Fanconi anemia complementation group O. Last evaluated: 2024-04-22. Review status: criteria provided, single submitter. Criteria: Invitae Variant Classification Sherloc (09022015). Collection method: clinical testing. Allele origin: germline.
Comment: This sequence change replaces valine, which is neutral and non-polar, with leucine, which is neutral and non-polar, at codon 151 of the RAD51C protein (p.Val151Leu). This variant is present in population databases (no rsID available, gnomAD 0.01%). This variant has not been reported in the literature in individuals affected with RAD51C-related conditions. ClinVar contains an entry for this variant (Variation ID: 409833). Advanced modeling of protein sequence and biophysical properties (such as structural, functional, and spatial information, amino acid conservation, physicochemical variation, residue mobility, and thermodynamic stability) performed at Invitae indicates that this missense variant is not expected to disrupt RAD51C protein function with a negative predictive value of 80%. In summary, the available evidence is currently insufficient to determine the role of this variant in disease. Therefore, it has been classified as a Variant of Uncertain Significance.

Ambry Genetics
Classification: Likely benign for Hereditary cancer-predisposing syndrome. Last evaluated: 2024-02-26. Review status: criteria provided, single submitter. Criteria: Ambry Variant Classification Scheme 2023. Collection method: clinical testing. Allele origin: germline.

Color Diagnostics, LLC DBA Color Health
Classification: Uncertain significance for Hereditary cancer-predisposing syndrome. Last evaluated: 2023-12-05. Review status: criteria provided, single submitter. Criteria: ACMG Guidelines, 2015. Collection method: clinical testing. Allele origin: germline.
Comment: This missense variant replaces valine with leucine at codon 151 of the RAD51C protein. Computational prediction suggests that this variant may not impact protein structure and function (internally defined REVEL score threshold <= 0.5, PMID: 27666373). To our knowledge, functional studies have not been reported for this variant. This variant has not been reported in individuals affected with RAD51C-related disorders in the literature. This variant has been identified in 1/31402 chromosomes in the general population by the Genome Aggregation Database (gnomAD). The available evidence is insufficient to determine the role of this variant in disease conclusively. Therefore, this variant is classified as a Variant of Uncertain Significance.

Baylor Genetics
Classification: Uncertain significance for Breast-ovarian cancer, familial, susceptibility to, 3. Last evaluated: 2023-06-13. Review status: criteria provided, single submitter. Criteria: ACMG Guidelines, 2015. Collection method: clinical testing. Allele origin: unknown.

NM_058216.3(RAD51C):c.451G>C (p.Val151Leu)

Gene: RAD51C (RAD51 paralog C; plus strand). Cytogenetic location: 17q22.
Variant type: single nucleotide variant.
Coding change: c.451G>C on transcript NM_058216.3 (MANE Select); coding-DNA position 451, G replaced by C.
Protein change: p.Val151Leu; replaces valine 151 with leucine.
Molecular consequence: missense variant.
Genome position (GRCh38, 1-based): chr17:58,696,739, G>C. VCF-style: chr17-58696739-G-C. GRCh37 (hg19) VCF-style: chr17-56774100-G-C.
Other names: short protein forms V151L.
Identifiers: ClinVar variation 409833 (VCV000409833.20), dbSNP rs753912045, ClinGen allele CA16615450.
Genomic context (GRCh38, chr17:58,696,739, plus strand): 5'-CTTTCTGTTGACAGTATGCAGTTGGCAGTAGATGTGCAGATACCAGAATGTTTTGGAGGA[G>C]TGGCAGGTGAAGCAGTTTTTATTGATACAGAGGGAAGTTTTATGGTTGATAGAGTGGTAG-3'
Protein context (NP_478123.1, residues 141-161): DVQIPECFGG[Val151Leu]AGEAVFIDTE